The following is an entry in ClinVar:

ClinVar aggregate classification (germline): Uncertain significance. Review status: criteria provided, multiple submitters, no conflicts (2 of 4 stars). 2 submissions from 2 submitters: Uncertain significance (2). Last evaluated 2025-11-14.

Conditions:
Hereditary cancer-predisposing syndrome. Also called: Neoplastic Syndromes, Hereditary; Tumor predisposition; Hereditary Cancer Syndrome; Hereditary neoplastic syndrome. Identifiers: Orphanet 140162, MedGen C0027672, MeSH D009386, MONDO:0015356.
Tuberous sclerosis 2 (TSC2). Identifiers: Orphanet 805, MedGen C1860707, MONDO:0013199, OMIM 613254.

Submissions (2):

Ambry Genetics
Classification: Uncertain significance for Hereditary cancer-predisposing syndrome. Last evaluated: 2025-11-14. Review status: criteria provided, single submitter. Criteria: Ambry Variant Classification Scheme 2023. Collection method: clinical testing. Allele origin: germline.
Comment: The p.N398K variant (also known as c.1194C>G), located in coding exon 11 of the TSC2 gene, results from a C to G substitution at nucleotide position 1194. The asparagine at codon 398 is replaced by lysine, an amino acid with similar properties. This amino acid position is highly conserved in available vertebrate species. In addition, this alteration is predicted to be tolerated by in silico analysis. Based on the available evidence, the clinical significance of this variant remains unclear.

Labcorp Genetics (formerly Invitae), Labcorp
Classification: Uncertain significance for Tuberous sclerosis 2. Last evaluated: 2022-10-13. Review status: criteria provided, single submitter. Criteria: Invitae Variant Classification Sherloc (09022015). Collection method: clinical testing. Allele origin: germline.
Comment: In summary, the available evidence is currently insufficient to determine the role of this variant in disease. Therefore, it has been classified as a Variant of Uncertain Significance. Advanced modeling of protein sequence and biophysical properties (such as structural, functional, and spatial information, amino acid conservation, physicochemical variation, residue mobility, and thermodynamic stability) performed at Invitae indicates that this missense variant is not expected to disrupt TSC2 protein function. This variant has not been reported in the literature in individuals affected with TSC2-related conditions. This variant is not present in population databases (gnomAD no frequency). This sequence change replaces asparagine, which is neutral and polar, with lysine, which is basic and polar, at codon 398 of the TSC2 protein (p.Asn398Lys).

NM_000548.5(TSC2):c.1194C>G (p.Asn398Lys)

Gene: TSC2 (TSC complex subunit 2; plus strand). Cytogenetic location: 16p13.3.
Variant type: single nucleotide variant.
Coding change: c.1194C>G on transcript NM_000548.5 (MANE Select); coding-DNA position 1194, C replaced by G.
Protein change: p.Asn398Lys; replaces asparagine 398 with lysine.
Molecular consequence: missense variant.
Genome position (GRCh38, 1-based): chr16:2,061,945, C>G. VCF-style: chr16-2061945-C-G. GRCh37 (hg19) VCF-style: chr16-2111946-C-G.
Other names: c.1284C>G, p.Asn428Lys (NM_001406668.1, NM_001406667.1); c.1083C>G, p.Asn361Lys (NM_001406670.1, NM_001406678.1, NM_001318827.2); c.1182C>G, p.Asn394Lys (NM_001406671.1, NM_001406673.1); c.1047C>G, p.Asn349Lys (NM_001406675.1, NM_001406676.1, NM_001406679.1 and 1 more transcripts); c.1137C>G, p.Asn379Lys (NM_001406677.1); c.594C>G, p.Asn198Lys (NM_001406680.1, NM_001406682.1, NM_001406683.1 and 6 more transcripts); c.732C>G, p.Asn244Lys (NM_001406681.1); c.1194C>G, p.Asn398Lys (NM_001077183.3, NM_001114382.3, NM_001363528.2 and 6 more transcripts); and 4 more; short protein forms N361K, N244K, N379K, N349K, N409K, N198K, N394K, N398K.
Identifiers: ClinVar variation 1745604 (VCV001745604.8), dbSNP rs369172347, ClinGen allele CA394320681.